The following is an entry in ClinVar:

NM_000834.5(GRIN2B):c.1606G>A (p.Val536Ile)

Gene: GRIN2B (glutamate ionotropic receptor NMDA type subunit 2B; minus strand). Cytogenetic location: 12p13.1.
Variant type: single nucleotide variant.
Coding change: c.1606G>A on transcript NM_000834.5 (MANE Select); coding-DNA position 1606, G replaced by A.
Protein change: p.Val536Ile; replaces valine 536 with isoleucine.
Molecular consequence: missense variant.
Genome position (GRCh38, 1-based): chr12:13,615,162, C>T on the plus strand (G>A on the coding strand, the complement: GRIN2B is on the minus strand). VCF-style: chr12-13615162-C-T. GRCh37 (hg19) VCF-style: chr12-13768096-C-T.
Other names: short protein forms V536I.
Identifiers: ClinVar variation 1299652 (VCV001299652.1), dbSNP rs2136479389, ClinGen allele CA384051771.

ClinVar aggregate classification (germline): Pathogenic (1 of 4 stars; one submission).

Conditions:
Intellectual developmental disorder, autosomal dominant 6, with or without seizures. Also called: Intellectual disability, autosomal dominant 6; GRIN2B-related developmental delay, intellectual disability and autism spectrum disorder. Identifiers: Orphanet 589547, MedGen C3151411, MONDO:0013509, OMIM 613970.

Submission:

Laboratory of Medical Genetics, National & Kapodistrian University of Athens
Classification: Pathogenic for Intellectual developmental disorder, autosomal dominant 6, with or without seizures. Last evaluated: 2021-10-01. Review status: criteria provided, single submitter. Criteria: ACMG Guidelines, 2015. Collection method: clinical testing. Allele origin: de novo. Affected: yes.
Comment: PS2, PM1, PM2, PP2, PP3

Literature cited by the submitters: PubMed 34008892.